The following is an entry in ClinVar:

ClinVar aggregate classification (germline): Uncertain significance (1 of 4 stars; one submission).

Submission:

Labcorp Genetics (formerly Invitae), Labcorp
Classification: Uncertain significance. Last evaluated: 2025-04-22. Review status: criteria provided, single submitter. Criteria: Invitae Variant Classification Sherloc (09022015). Collection method: clinical testing. Allele origin: germline.
Comment: This sequence change replaces leucine, which is neutral and non-polar, with serine, which is neutral and polar, at codon 881 of the DSG1 protein (p.Leu881Ser). This variant is not present in population databases (gnomAD no frequency). This variant has not been reported in the literature in individuals affected with DSG1-related conditions. An algorithm developed to predict the effect of missense changes on protein structure and function (PolyPhen-2) suggests that this variant is likely to be disruptive. In summary, the available evidence is currently insufficient to determine the role of this variant in disease. Therefore, it has been classified as a Variant of Uncertain Significance.

NM_001942.4(DSG1):c.2642T>C (p.Leu881Ser)

Genes: DSG1 (desmoglein 1; plus strand), DSG1-AS1 (DSG1 antisense RNA 1; minus strand), LOC126862720 (MED14-independent group 3 enhancer GRCh37_chr18:28933613-28934812; plus strand). Cytogenetic location: 18q12.1.
Variant type: single nucleotide variant.
Coding change: c.2642T>C on transcript NM_001942.4 (MANE Select); coding-DNA position 2642, T replaced by C.
Protein change: p.Leu881Ser; replaces leucine 881 with serine.
Molecular consequence: missense variant.
Genome position (GRCh38, 1-based): chr18:31,354,838, T>C. VCF-style: chr18-31354838-T-C. GRCh37 (hg19) VCF-style: chr18-28934801-T-C.
Other names: short protein forms L881S.
Identifiers: ClinVar variation 4718137 (VCV004718137.1).
Genomic context (GRCh38, chr18:31,354,838, plus strand): 5'-ACGTGGTAGTGACAGAGAGAGTGGTCGGCCCAATCTCTGGCGCTGATTTGCATGGAATGT[T>C]AGAGATGCCTGACTTGCGAGATGGGTCGAATGTTATAGTGACAGAAAGGGTAATAGCACC-3'
Protein context (NP_001933.2, residues 871-891): PISGADLHGM[Leu881Ser]EMPDLRDGSN